The following is an entry in ClinVar:

NM_001042492.3(NF1):c.7083G>A (p.Met2361Ile)

Gene: NF1 (neurofibromin 1; plus strand). Cytogenetic location: 17q11.2.
Variant type: single nucleotide variant.
Coding change: c.7083G>A on transcript NM_001042492.3 (MANE Select); coding-DNA position 7083, G replaced by A.
Protein change: p.Met2361Ile; replaces methionine 2361 with isoleucine.
Molecular consequence: missense variant.
Genome position (GRCh38, 1-based): chr17:31,343,029, G>A. VCF-style: chr17-31343029-G-A. GRCh37 (hg19) VCF-style: chr17-29670047-G-A.
Other names: c.7020G>A, p.Met2340Ile (NM_000267.4); short protein forms M2340I, M2361I.
Identifiers: ClinVar variation 1022670 (VCV001022670.8), dbSNP rs1293010884, ClinGen allele CA399015545.

ClinVar aggregate classification (germline): Uncertain significance. Review status: criteria provided, multiple submitters, no conflicts (2 of 4 stars). 3 submissions from 3 submitters: Uncertain significance (3). Last evaluated 2024-03-17.

Conditions:
Cardiovascular phenotype. Identifiers: MedGen CN230736.
Hereditary cancer-predisposing syndrome. Also called: Hereditary neoplastic syndrome; Neoplastic Syndromes, Hereditary; Tumor predisposition; Hereditary Cancer Syndrome. Identifiers: Orphanet 140162, MedGen C0027672, MeSH D009386, MONDO:0015356.
Neurofibromatosis, type 1 (NF1). Also called: Peripheral type neurofibromatosis; Neurofibromatosis, type I; VON RECKLINGHAUSEN DISEASE; NEUROFIBROMATOSIS, TYPE I, SOMATIC. Identifiers: Orphanet 636, MedGen C0027831, MONDO:0018975, OMIM 162200. Disease mechanism: loss of function.

Allele frequency attached by ClinVar (database versions not stated): gnomAD exomes below 0.00001.
gnomAD v4.1: 1 of 1,614,060 alleles (0.000062%); highest among the groups gnomAD compares: Non-Finnish European, 0.000085%; no homozygotes.

Submissions (3):

GeneDx
Classification: Uncertain significance. Last evaluated: 2024-03-17. Review status: criteria provided, single submitter. Criteria: GeneDx Variant Classification Process June 2021. Collection method: clinical testing. Allele origin: germline. Affected: yes.
Comment: Observed in individuals with breast cancer and absent in controls in a case-control study (PMID: 30287823); In silico analysis supports that this missense variant has a deleterious effect on protein structure/function; This variant is associated with the following publications: (PMID: 25486365, 36243179, 30287823)

Ambry Genetics
Classification: Uncertain significance for Cardiovascular phenotype; Hereditary cancer-predisposing syndrome. Last evaluated: 2022-05-03. Review status: criteria provided, single submitter. Criteria: Ambry Variant Classification Scheme 2023. Collection method: clinical testing. Allele origin: germline.
Comment: The p.M2340I variant (also known as c.7020G>A), located in coding exon 47 of the NF1 gene, results from a G to A substitution at nucleotide position 7020. The methionine at codon 2340 is replaced by isoleucine, an amino acid with highly similar properties. This amino acid position is highly conserved in available vertebrate species. In addition, the in silico prediction for this alteration is inconclusive. Since supporting evidence is limited at this time, the clinical significance of this alteration remains unclear.

Labcorp Genetics (formerly Invitae), Labcorp
Classification: Uncertain significance for Neurofibromatosis, type 1. Last evaluated: 2020-01-18. Review status: criteria provided, single submitter. Criteria: Invitae Variant Classification Sherloc (09022015). Collection method: clinical testing. Allele origin: germline.
Comment: In summary, the available evidence is currently insufficient to determine the role of this variant in disease. Therefore, it has been classified as a Variant of Uncertain Significance. Algorithms developed to predict the effect of missense changes on protein structure and function are either unavailable or do not agree on the potential impact of this missense change (SIFT: "Deleterious"; PolyPhen-2: "Benign"; Align-GVGD: "Class C0"). This missense change has been observed in individual(s) with breast cancer (PMID: 30287823). This variant is not present in population databases (ExAC no frequency). This sequence change replaces methionine with isoleucine at codon 2340 of the NF1 protein (p.Met2340Ile). The methionine residue is moderately conserved and there is a small physicochemical difference between methionine and isoleucine.

Literature cited by the submitters: PubMed 30287823 (cited by Labcorp Genetics (formerly Invitae), Labcorp).